The following is an entry in ClinVar:

NM_001004334.4(GPR179):c.5878T>C (p.Trp1960Arg)

Gene: GPR179 (G protein-coupled receptor 179; minus strand). Cytogenetic location: 17q12.
Variant type: single nucleotide variant.
Coding change: c.5878T>C on transcript NM_001004334.4 (MANE Select); coding-DNA position 5878, T replaced by C.
Protein change: p.Trp1960Arg; replaces tryptophan 1960 with arginine.
Molecular consequence: missense variant.
Genome position (GRCh38, 1-based): chr17:38,327,691, A>G on the plus strand (T>C on the coding strand, the complement: GPR179 is on the minus strand). VCF-style: chr17-38327691-A-G. GRCh37 (hg19) VCF-style: chr17-36483574-A-G.
Other names: short protein forms W1960R.
Identifiers: ClinVar variation 1400587 (VCV001400587.7), dbSNP rs2144255681, ClinGen allele CA398870663.

ClinVar aggregate classification (germline): Uncertain significance. Review status: criteria provided, multiple submitters, no conflicts (2 of 4 stars). 2 submissions from 2 submitters: Uncertain significance (2). Last evaluated 2024-11-21.

gnomAD v4.1: 2 of 1,614,214 alleles (0.00012%); highest among the groups gnomAD compares: Non-Finnish European, 0.00017%; no homozygotes.

Submissions (2):

Blueprint Genetics
Classification: Uncertain significance. Last evaluated: 2024-11-21. Review status: criteria provided, single submitter. Criteria: ACMG Guidelines, 2015. Collection method: clinical testing. Allele origin: germline.

Labcorp Genetics (formerly Invitae), Labcorp
Classification: Uncertain significance. Last evaluated: 2023-07-17. Review status: criteria provided, single submitter. Criteria: Invitae Variant Classification Sherloc (09022015). Collection method: clinical testing. Allele origin: germline.
Comment: Algorithms developed to predict the effect of missense changes on protein structure and function output the following: SIFT: "Not Available"; PolyPhen-2: "Benign"; Align-GVGD: "Not Available". The arginine amino acid residue is found in multiple mammalian species, which suggests that this missense change does not adversely affect protein function. In summary, the available evidence is currently insufficient to determine the role of this variant in disease. Therefore, it has been classified as a Variant of Uncertain Significance. ClinVar contains an entry for this variant (Variation ID: 1400587). This variant has not been reported in the literature in individuals affected with GPR179-related conditions. This variant is not present in population databases (gnomAD no frequency). This sequence change replaces tryptophan, which is neutral and slightly polar, with arginine, which is basic and polar, at codon 1960 of the GPR179 protein (p.Trp1960Arg).